The following is an entry in ClinVar:

NM_001099271.2(POC5):c.835A>G (p.Thr279Ala)

Gene: POC5 (POC5 centriolar protein; minus strand). Cytogenetic location: 5q13.3.
Variant type: single nucleotide variant.
Coding change: c.835A>G on transcript NM_001099271.2 (MANE Select); coding-DNA position 835, A replaced by G.
Protein change: p.Thr279Ala; replaces threonine 279 with alanine.
Molecular consequence: missense variant.
Genome position (GRCh38, 1-based): chr5:75,690,523, T>C on the plus strand (A>G on the coding strand, the complement: POC5 is on the minus strand). VCF-style: chr5-75690523-T-C. GRCh37 (hg19) VCF-style: chr5-74986348-T-C.
Other names: c.835A>G (NM_001099271.1); c.760A>G, p.Thr254Ala (NM_152408.3); short protein forms T254A, T279A.
Identifiers: ClinVar variation 1596651 (VCV001596651.10), dbSNP rs559155991, ClinGen allele CA3310463.

ClinVar aggregate classification (germline): Likely benign. Review status: criteria provided, single submitter (1 of 4 stars). 2 submissions from 2 submitters: Likely benign (1). 1 of the submissions does not count toward it. Last evaluated 2025-09-14.

Conditions:
POC5-related disorder. Also called: POC5-related condition.

Allele frequency attached by ClinVar (database versions not stated): gnomAD 0.00011 and 0.00013; gnomAD exomes 0.00016; 1000 Genomes Project 0.00020; TOPMed 0.00024; ExAC 0.00028; 1000 Genomes Project 30x 0.00031.
gnomAD v4.1: 174 of 1,599,732 alleles (0.011%); highest among the groups gnomAD compares: East Asian, 0.32%; no homozygotes.

Submissions (2):

Labcorp Genetics (formerly Invitae), Labcorp
Classification: Likely benign. Last evaluated: 2025-09-14. Review status: criteria provided, single submitter. Criteria: Invitae Variant Classification Sherloc (09022015). Collection method: clinical testing. Allele origin: germline.

PreventionGenetics, part of Exact Sciences
Classification: Likely benign for POC5-related condition. Last evaluated: 2022-03-01. Review status: no assertion criteria provided. Collection method: clinical testing. Allele origin: germline. Not counted in ClinVar's aggregate classification.
Comment: This variant is classified as likely benign based on ACMG/AMP sequence variant interpretation guidelines (Richards et al. 2015 PMID: 25741868, with internal and published modifications).